The following is an entry in ClinVar:

NM_013280.5(FLRT1):c.1878G>A (p.Pro626=)

Genes: FLRT1 (fibronectin leucine rich transmembrane protein 1; plus strand), MACROD1 (mono-ADP ribosylhydrolase 1; minus strand). Cytogenetic location: 11q13.1.
Variant type: single nucleotide variant.
Coding change: c.1878G>A on transcript NM_013280.5 (MANE Select); coding-DNA position 1878, G replaced by A.
Protein change: p.Pro626=; no amino-acid change (proline 626 retained).
Molecular consequence: synonymous variant. On other transcripts: intron variant (2).
Genome position (GRCh38, 1-based): chr11:64,118,145, G>A. VCF-style: chr11-64118145-G-A. GRCh37 (hg19) VCF-style: chr11-63885617-G-A.
Other names: c.1878G>A, p.Pro626= (NM_001384466.1); c.1794G>A, p.Pro598= (NM_001423967.1); c.517+33094C>T (NM_001411019.1, NM_014067.4).
Identifiers: ClinVar variation 1170621 (VCV001170621.34), dbSNP rs143811913, ClinGen allele CA6067816.

ClinVar aggregate classification (germline): Benign/Likely benign. Review status: criteria provided, multiple submitters, no conflicts (2 of 4 stars). 2 submissions from 2 submitters: Benign (1); Likely benign (1). Last evaluated 2023-02-01.

Conditions:
Peripheral neuropathy. Also called: Neuropathy. Identifiers: MedGen C0031117, MONDO:0005244, HP:0009830.

Allele frequency attached by ClinVar (database versions not stated): gnomAD exomes 0.00022; ExAC 0.00023; ESP Exome Variant Server 0.00069; gnomAD 0.00082 and 0.00092; 1000 Genomes Project 0.00100; TOPMed 0.00105; 1000 Genomes Project 30x 0.00109.
gnomAD v4.1: 281 of 1,613,832 alleles (0.017%); highest among the groups gnomAD compares: African/African-American, 0.29%; no homozygotes.

Submissions (2):

CeGaT Center for Human Genetics Tuebingen
Classification: Likely benign. Last evaluated: 2023-02-01. Review status: criteria provided, single submitter. Criteria: CeGaT Center For Human Genetics Tuebingen Variant Classification Criteria Version 2. Collection method: clinical testing. Allele origin: germline. Affected: yes. Observed: 1 variant allele.
Comment: FLRT1: BP4, BP7

Labcorp Genetics (formerly Invitae), Labcorp
Classification: Benign for Peripheral neuropathy. Last evaluated: 2022-10-04. Review status: criteria provided, single submitter. Criteria: Invitae Variant Classification Sherloc (09022015). Collection method: clinical testing. Allele origin: germline.